The following is an entry in ClinVar:

NM_001353694.2(TIAM1):c.2486A>G (p.Tyr829Cys)

Gene: TIAM1 (TIAM Rac1 associated GEF 1; minus strand). Cytogenetic location: 21q22.11.
Variant type: single nucleotide variant.
Coding change: c.2486A>G on transcript NM_001353694.2 (MANE Select); coding-DNA position 2486, A replaced by G.
Protein change: p.Tyr829Cys; replaces tyrosine 829 with cysteine.
Molecular consequence: missense variant.
Genome position (GRCh38, 1-based): chr21:31,202,915, T>C on the plus strand (A>G on the coding strand, the complement: TIAM1 is on the minus strand). VCF-style: chr21-31202915-T-C. GRCh37 (hg19) VCF-style: chr21-32575231-T-C.
Other names: c.2486A>G, p.Tyr829Cys (NM_001353686.2, NM_001353688.1, NM_001353689.1 and 5 more transcripts); c.2411A>G, p.Tyr804Cys (NM_001353687.2); short protein forms Y804C, Y829C.
Identifiers: ClinVar variation 3373018 (VCV003373018.1).

ClinVar aggregate classification (germline): Uncertain significance (1 of 4 stars; one submission).

gnomAD v4.1: 58 of 1,613,758 alleles (0.0036%); highest among the groups gnomAD compares: Admixed American, 0.0083%; no homozygotes.

Submission:

GeneDx
Classification: Uncertain significance. Last evaluated: 2024-04-25. Review status: criteria provided, single submitter. Criteria: GeneDx Variant Classification Process June 2021. Collection method: clinical testing. Allele origin: germline. Affected: yes.
Comment: In silico analysis indicates that this missense variant does not alter protein structure/function; Has not been previously published as pathogenic or benign to our knowledge